The following is an entry in ClinVar:

ClinVar aggregate classification (germline): Likely pathogenic. Review status: criteria provided, multiple submitters, no conflicts (2 of 4 stars). 2 submissions from 2 submitters: Likely pathogenic (2). Last evaluated 2025-06-11.

Conditions:
Oculocutaneous albinism. Identifiers: Orphanet 55, MedGen C0078918, MONDO:0018910.

Allele frequency attached by ClinVar (database versions not stated): gnomAD 0.00001.
gnomAD v4.1: 1 of 1,614,046 alleles (0.000062%); highest among the groups gnomAD compares: African/African-American, 0.0013%; no homozygotes.

Submissions (2):

Women's Health and Genetics/Laboratory Corporation of America, LabCorp
Classification: Likely pathogenic for Oculocutaneous albinism. Last evaluated: 2025-06-11. Review status: criteria provided, single submitter. Criteria: LabCorp Variant Classification Summary - May 2015. Collection method: clinical testing. Allele origin: germline.
Comment: Variant summary: OCA2 c.1454G>T (p.Gly485Val) results in a non-conservative amino acid change in the encoded protein sequence. Algorithms developed to predict the effect of missense changes on protein structure and function all suggest that this variant is likely to be disruptive. The variant was absent in 251496 control chromosomes (gnomAD). c.1454G>T has been observed in individuals affected with Oculocutaneous Albinism (Rooryck_2008, Grnskov_2008, Lasseaux_2018). These data indicate that the variant may be associated with disease. A different variant affecting the same codon has been classified as likely pathogenic by our lab (c.1453G>A, p.Gly485Arg), supporting the critical relevance of codon 485 to OCA2 protein function. To our knowledge, no experimental evidence demonstrating an impact on protein function has been reported. The following publications have been ascertained in the context of this evaluation (PMID: 19060277, 33612058, 29345414, 18821858). ClinVar contains an entry for this variant (Variation ID: 2736163). Based on the evidence outlined above, the variant was classified as likely pathogenic.

Labcorp Genetics (formerly Invitae), Labcorp
Classification: Likely pathogenic. Last evaluated: 2023-09-27. Review status: criteria provided, single submitter. Criteria: Invitae Variant Classification Sherloc (09022015). Collection method: clinical testing. Allele origin: germline.
Comment: In summary, the currently available evidence indicates that the variant is pathogenic, but additional data are needed to prove that conclusively. Therefore, this variant has been classified as Likely Pathogenic. This variant disrupts the p.Gly485 amino acid residue in OCA2. Other variant(s) that disrupt this residue have been observed in individuals with OCA2-related conditions (PMID: 20806075), which suggests that this may be a clinically significant amino acid residue. Advanced modeling of protein sequence and biophysical properties (such as structural, functional, and spatial information, amino acid conservation, physicochemical variation, residue mobility, and thermodynamic stability) performed at Invitae indicates that this missense variant is expected to disrupt OCA2 protein function. This missense change has been observed in individuals with clinical features of oculocutaneous albinism (PMID: 18821858, 19060277, 29345414). This variant is not present in population databases (gnomAD no frequency). This sequence change replaces glycine, which is neutral and non-polar, with valine, which is neutral and non-polar, at codon 485 of the OCA2 protein (p.Gly485Val).

Literature cited by the submitters: PubMed 29345414 (cited by Women's Health and Genetics/Laboratory Corporation of America, LabCorp and Labcorp Genetics (formerly Invitae), Labcorp); PubMed 19060277 (cited by Women's Health and Genetics/Laboratory Corporation of America, LabCorp and Labcorp Genetics (formerly Invitae), Labcorp); PubMed 33612058 (cited by Women's Health and Genetics/Laboratory Corporation of America, LabCorp); PubMed 18821858 (cited by Women's Health and Genetics/Laboratory Corporation of America, LabCorp and Labcorp Genetics (formerly Invitae), Labcorp); PubMed 20806075 (cited by Labcorp Genetics (formerly Invitae), Labcorp).

NM_000275.3(OCA2):c.1454G>T (p.Gly485Val)

Gene: OCA2 (OCA2 melanosomal transmembrane protein; minus strand). Cytogenetic location: 15q13.1.
Variant type: single nucleotide variant.
Coding change: c.1454G>T on transcript NM_000275.3 (MANE Select); coding-DNA position 1454, G replaced by T.
Protein change: p.Gly485Val; replaces glycine 485 with valine.
Molecular consequence: missense variant.
Genome position (GRCh38, 1-based): chr15:27,983,394, C>A on the plus strand (G>T on the coding strand, the complement: OCA2 is on the minus strand). VCF-style: chr15-27983394-C-A. GRCh37 (hg19) VCF-style: chr15-28228540-C-A.
Other names: c.1382G>T, p.Gly461Val (NM_001300984.2); short protein forms G485V, G461V.
Identifiers: ClinVar variation 2736163 (VCV002736163.4), dbSNP rs2041233118, ClinGen allele CA391359388.